The following is an entry in ClinVar:

ClinVar aggregate classification (germline): Conflicting classifications of pathogenicity. Review status: criteria provided, conflicting classifications (1 of 4 stars). 6 submissions from 6 submitters: Likely pathogenic (3); Uncertain significance (1). 2 of the submissions do not count toward it. Last evaluated 2025-11-24.

Conditions:
Mitochondrial disease. Also called: Mitochondrial disorders; Mitochondrial disorder. Identifiers: Orphanet 68380, MedGen C0751651, MeSH D028361, MONDO:0044970.
Mitochondrial DNA depletion syndrome, myopathic form (MTDPS2). Also called: MITOCHONDRIAL DNA DEPLETION MYOPATHY, TK2-RELATED; MITOCHONDRIAL DNA DEPLETION SYNDROME 2 (MYOPATHIC TYPE); TK2-Related Mitochondrial DNA Maintenance Defect, Myopathic Form. Identifiers: Orphanet 254875, MedGen C3149750, MONDO:0012301, OMIM 609560.
Myopathy. Identifiers: MedGen C0026848, MeSH D009135, MONDO:0005336, HP:0003198.

Allele frequency attached by ClinVar (database versions not stated): ExAC 0.00001; gnomAD 0.00001; gnomAD exomes 0.00001.

Submissions (6):

Genomenon, Inc
Classification: Likely pathogenic for Mitochondrial disease. Last evaluated: 2025-11-24. Review status: criteria provided, single submitter. Criteria: Genomenon Sequence Variant Interpretation Standards - Updated. Collection method: curation. Allele origin: germline. Affected: yes.
Comment: TK2 p.Arg90Cys (c.268C>T) is a missense variant that changes the amino acid at residue 90 from Arginine to Cysteine. It is also described as R132C in the literature. This variant has been observed in multiple probands affected with mitochondrial disease in the compound heterozygous state, with a pathogenic or likely pathogenic variant confirmed in trans in at least one proband (22345218, 31125140). This variant is not present at a significant frequency in gnomAD. In conclusion, we classify TK2 p.Arg90Cys (c.268C>T) as a likely pathogenic variant.

Women's Health and Genetics/Laboratory Corporation of America, LabCorp
Classification: Uncertain significance. Last evaluated: 2025-06-09. Review status: criteria provided, single submitter. Criteria: LabCorp Variant Classification Summary - May 2015. Collection method: clinical testing. Allele origin: germline.
Comment: Variant summary: TK2 c.268C>T (p.Arg90Cys) results in a non-conservative amino acid change located in the Deoxynucleoside kinase domain (IPR031314) of the encoded protein sequence. Algorithms developed to predict the effect of missense changes on protein structure and function all suggest that this variant is likely to be disruptive. The variant allele was found at a frequency of 1.2e-05 in 251486 control chromosomes. c.268C>T has been observed as compound heterozygous genotype in individuals affected with Mitochondrial DNA Depletion Syndrome - TK2 Related (Behin_2012, Dominguez_Gonzalez_2019, Acosta_2023). These data indicate that the variant may be associated with disease. To our knowledge, no experimental evidence demonstrating an impact on protein function has been reported. The following publications have been ascertained in the context of this evaluation (PMID: 22345218, 31125140, 26224072). ClinVar contains an entry for this variant (Variation ID: 38982). Based on the evidence outlined above, the variant was classified as VUS-possibly pathogenic.

GeneDx
Classification: Likely pathogenic. Last evaluated: 2024-12-04. Review status: criteria provided, single submitter. Criteria: GeneDx Variant Classification Process June 2021. Collection method: clinical testing. Allele origin: germline. Affected: yes.
Comment: In silico analysis supports that this missense variant has a deleterious effect on protein structure/function; Not observed at significant frequency in large population cohorts (gnomAD); This variant is associated with the following publications: (PMID: 25215937, 22345218, 31589614, 28217183, 29602790, Acosta2023[paper])

CeGaT Center for Human Genetics Tuebingen
Classification: Likely pathogenic. Last evaluated: 2023-05-01. Review status: criteria provided, single submitter. Criteria: CeGaT Center For Human Genetics Tuebingen Variant Classification Criteria Version 2. Collection method: clinical testing. Allele origin: germline. Affected: yes. Observed: 1 variant allele.
Comment: TK2: PM3:Strong, PM2, PP4:Moderate

Neurologia y Psiquiatria, Clinica Alemana Santiago
Classification: Pathogenic for Myopathy. Last evaluated: 2022-07-15. Review status: no assertion criteria provided. Collection method: clinical testing. Allele origin: germline. Inheritance: Autosomal recessive inheritance. Affected: yes. Observed: 1 compound heterozygote. Not counted in ClinVar's aggregate classification.
Comment: The most severely affected muscles in magnetic resonance imaging (MRI) axial T1-weighted sequences were the gluteus maximus, sartorius and tensor fasciae latae muscles. We found a compound heterozygous mutation in TK2-gene (pathogenic mutation in [c.323C>T p.(Thr108Met)] and novel mutation in [c.268C>T p.(Arg90Cys)]). Deoxynucleoside therapy was offered.

OMIM
Classification: Pathogenic for MITOCHONDRIAL DNA DEPLETION SYNDROME 2 (MYOPATHIC TYPE). Last evaluated: 2012-02-28. Review status: no assertion criteria provided. Collection method: literature only. Allele origin: germline. Not counted in ClinVar's aggregate classification.

Literature cited by the submitters: PubMed 22345218 (cited by 3 submitters); PubMed 31125140 (cited by Genomenon, Inc and Women's Health and Genetics/Laboratory Corporation of America, LabCorp); PubMed 26224072 (cited by Women's Health and Genetics/Laboratory Corporation of America, LabCorp).

NM_004614.5(TK2):c.268C>T (p.Arg90Cys)

Gene: TK2 (thymidine kinase 2; minus strand). Cytogenetic location: 16q21.
Variant type: single nucleotide variant.
Coding change: c.268C>T on transcript NM_004614.5 (MANE Select); coding-DNA position 268, C replaced by T.
Protein change: p.Arg90Cys; replaces arginine 90 with cysteine.
Molecular consequence: missense variant. On other transcripts: 5 prime UTR variant (1), non-coding transcript variant (1), intron variant (1).
Genome position (GRCh38, 1-based): chr16:66,536,981, G>A on the plus strand (C>T on the coding strand, the complement: TK2 is on the minus strand). VCF-style: chr16-66536981-G-A. GRCh37 (hg19) VCF-style: chr16-66570884-G-A.
Other names: c.175C>T, p.Arg59Cys (NM_001172643.1, NM_001271935.1); c.193C>T, p.Arg65Cys (NM_001172644.2); c.121C>T, p.Arg41Cys (NM_001271934.2); c.-24C>T (NM_001272050.2); c.231+4898C>T (NM_001172645.2); short protein forms R90C, R65C, R59C, R41C.
Identifiers: ClinVar variation 38982 (VCV000038982.42), dbSNP rs281865489, ClinGen allele CA343297.